The following is an entry in ClinVar:

NM_001276270.2(MBD4):c.494C>G (p.Ser165Cys)

Gene: MBD4 (methyl-CpG binding domain 4, DNA glycosylase; minus strand). Cytogenetic location: 3q21.3.
Variant type: single nucleotide variant.
Coding change: c.494C>G on transcript NM_001276270.2 (MANE Select); coding-DNA position 494, C replaced by G.
Protein change: p.Ser165Cys; replaces serine 165 with cysteine.
Molecular consequence: missense variant. On other transcripts: intron variant (1).
Genome position (GRCh38, 1-based): chr3:129,437,150, G>C on the plus strand (C>G on the coding strand, the complement: MBD4 is on the minus strand). VCF-style: chr3-129437150-G-C. GRCh37 (hg19) VCF-style: chr3-129155993-G-C.
Other names: c.494C>G, p.Ser165Cys (NM_001276271.2, NM_001276272.2, NM_003925.3); c.247+658C>G (NM_001276273.2); c.494C>G (NM_003925.2); short protein forms S165C.
Identifiers: ClinVar variation 1981097 (VCV001981097.7), dbSNP rs372555016, ClinGen allele CA2605517.
Genomic context (GRCh38, chr3:129,437,150, plus strand): 5'-TTGCACTTGCTTCGGGTCCTGAGGTTCCAGTTTGAATTGTTACTTTGGTTTTGTAGATGG[G>C]ATGTCAGGGCTGCCATGCTGCAGTCTTTATATCTTGACTTGATACCCCTTTTAGAAAGTA-3'
Protein context (NP_001263199.1, residues 155-175): YKDCSMAALT[Ser165Cys]HLQNQSNNSN

ClinVar aggregate classification (germline): Uncertain significance. Review status: criteria provided, multiple submitters, no conflicts (2 of 4 stars). 3 submissions from 3 submitters: Uncertain significance (3). Last evaluated 2026-09-15.

Conditions:
MBD4-related disorder. Also called: MBD4-related condition.
Inborn genetic diseases. Identifiers: MedGen C0950123, MeSH D030342.

Allele frequency attached by ClinVar (database versions not stated): ExAC 0.00001; gnomAD 0.00001; gnomAD exomes 0.00002; TOPMed 0.00003; ESP Exome Variant Server 0.00008.
gnomAD v4.1: 28 of 1,613,942 alleles (0.0017%); highest among the groups gnomAD compares: Non-Finnish European, 0.0022%; no homozygotes.

Submissions (3):

PreventionGenetics, part of Exact Sciences
Classification: Uncertain significance for MBD4-related condition. Last evaluated: 2026-09-15. Review status: criteria provided, single submitter. Criteria: ACMG Guidelines, 2015. Collection method: clinical testing. Allele origin: germline.
Comment: The MBD4 c.494C>G variant is predicted to result in the amino acid substitution p.Ser165Cys. This variant has been reported in an individual with a strong family history of breast and pancreatic cancer (Table 1, Joris et al. 2024. PubMed ID: 38872153). This variant is reported in 0.0035% of alleles in individuals of European (Non-Finnish) descent in gnomAD and is classified as a variant of uncertain significance in ClinVar (Variation ID: 1981097). At this time, the clinical significance of this variant is uncertain due to the absence of conclusive functional and genetic evidence.

Labcorp Genetics (formerly Invitae), Labcorp
Classification: Uncertain significance. Last evaluated: 2025-11-01. Review status: criteria provided, single submitter. Criteria: Invitae Variant Classification Sherloc (09022015). Collection method: clinical testing. Allele origin: germline.
Comment: This sequence change replaces serine, which is neutral and polar, with cysteine, which is neutral and slightly polar, at codon 165 of the MBD4 protein (p.Ser165Cys). This variant is present in population databases (rs372555016, gnomAD 0.004%). This variant has not been reported in the literature in individuals affected with MBD4-related conditions. ClinVar contains an entry for this variant (Variation ID: 1981097). An algorithm developed to predict the effect of missense changes on protein structure and function (PolyPhen-2) suggests that this variant is likely to be tolerated. In summary, the available evidence is currently insufficient to determine the role of this variant in disease. Therefore, it has been classified as a Variant of Uncertain Significance.

Ambry Genetics
Classification: Uncertain significance for Inborn genetic diseases. Last evaluated: 2024-12-16. Review status: criteria provided, single submitter. Criteria: Ambry Variant Classification Scheme 2023. Collection method: clinical testing. Allele origin: germline.
Comment: The p.S165C variant (also known as c.494C>G), located in coding exon 3 of the MBD4 gene, results from a C to G substitution at nucleotide position 494. The serine at codon 165 is replaced by cysteine, an amino acid with dissimilar properties. This amino acid position is not well conserved in available vertebrate species. In addition, this alteration is predicted to be tolerated by in silico analysis. Based on the available evidence, the clinical significance of this variant remains unclear.